The following is an entry in ClinVar:

NM_001363711.2(DUOX2):c.3415+3A>T

Gene: DUOX2 (dual oxidase 2; minus strand). Cytogenetic location: 15q21.1.
Variant type: single nucleotide variant.
Coding change: c.3415+3A>T on transcript NM_001363711.2 (MANE Select); 3 bases into the intron after coding-DNA position 3415, A replaced by T.
Molecular consequence: intron variant.
Genome position (GRCh38, 1-based): chr15:45,099,659, T>A on the plus strand (A>T on the coding strand, the complement: DUOX2 is on the minus strand). VCF-style: chr15-45099659-T-A. GRCh37 (hg19) VCF-style: chr15-45391857-T-A.
Other names: c.3415+3A>T (NM_014080.5).
Identifiers: ClinVar variation 3691597 (VCV003691597.2).

ClinVar aggregate classification (germline): Uncertain significance (1 of 4 stars; one submission).

Submission:

Labcorp Genetics (formerly Invitae), Labcorp
Classification: Uncertain significance. Last evaluated: 2024-02-01. Review status: criteria provided, single submitter. Criteria: Invitae Variant Classification Sherloc (09022015). Collection method: clinical testing. Allele origin: germline.
Comment: This sequence change falls in intron 25 of the DUOX2 gene. It does not directly change the encoded amino acid sequence of the DUOX2 protein. It affects a nucleotide within the consensus splice site. This variant is not present in population databases (gnomAD no frequency). This variant has not been reported in the literature in individuals affected with DUOX2-related conditions. Variants that disrupt the consensus splice site are a relatively common cause of aberrant splicing (PMID: 17576681, 9536098). Algorithms developed to predict the effect of sequence changes on RNA splicing suggest that this variant may disrupt the consensus splice site. In summary, the available evidence is currently insufficient to determine the role of this variant in disease. Therefore, it has been classified as a Variant of Uncertain Significance.

Literature cited by the submitters: PubMed 17576681; PubMed 9536098.